The following is an entry in ClinVar:

NM_000268.4(NF2):c.1451T>C (p.Met484Thr)

Gene: NF2 (NF2, moesin-ezrin-radixin like (MERLIN) tumor suppressor; plus strand). Cytogenetic location: 22q12.2.
Variant type: single nucleotide variant.
Coding change: c.1451T>C on transcript NM_000268.4 (MANE Select); coding-DNA position 1451, T replaced by C.
Protein change: p.Met484Thr; replaces methionine 484 with threonine.
Molecular consequence: missense variant. On other transcripts: non-coding transcript variant (1), intron variant (1).
Genome position (GRCh38, 1-based): chr22:29,678,200, T>C. VCF-style: chr22-29678200-T-C. GRCh37 (hg19) VCF-style: chr22-30074189-T-C.
Other names: c.1451T>C (NM_181832.2); c.1451T>C, p.Met484Thr (NM_016418.5, NM_181825.3, NM_181832.3); c.1325T>C, p.Met442Thr (NM_181828.3); c.1328T>C, p.Met443Thr (NM_181829.3); c.1202T>C, p.Met401Thr (NM_181830.3, NM_181831.3); c.448-16552T>C (NM_181833.3); short protein forms M484T, M442T, M443T, M401T.
Identifiers: ClinVar variation 134894 (VCV000134894.29), dbSNP rs141538143, ClinGen allele CA021334.

ClinVar aggregate classification (germline): Benign/Likely benign. Review status: criteria provided, multiple submitters, no conflicts (2 of 4 stars). 11 submissions from 11 submitters: Benign (2); Likely benign (7). 2 of the submissions do not count toward it. Last evaluated 2026-08-01.

Conditions:
Neurofibromatosis, type 2 (SWNV). Also called: SCHWANNOMATOSIS, VESTIBULAR; BILATERAL ACOUSTIC NEUROFIBROMATOSIS; NF2-Related Schwannomatosis. Identifiers: Orphanet 637, MedGen C0027832, MONDO:0007039, OMIM 101000. Disease mechanism: loss of function.
Familial meningioma. Also called: Meningioma, familial, susceptibility to. Identifiers: Orphanet 263662, MedGen C3551915, MONDO:0011789, OMIM 607174.
NF2-related disorder. Also called: NF2-related condition.
Hereditary cancer-predisposing syndrome. Also called: Neoplastic Syndromes, Hereditary; Tumor predisposition; Hereditary neoplastic syndrome; Hereditary Cancer Syndrome. Identifiers: Orphanet 140162, MedGen C0027672, MeSH D009386, MONDO:0015356.

Allele frequency attached by ClinVar (database versions not stated): gnomAD exomes 0.00008 and 0.00020; 1000 Genomes Project 0.00020; ExAC 0.00021; 1000 Genomes Project 30x 0.00031; ESP Exome Variant Server 0.00069; gnomAD 0.00078 and 0.00082; TOPMed 0.00080.
gnomAD v4.1: 239 of 1,614,048 alleles (0.015%); highest among the groups gnomAD compares: African/African-American, 0.29%; 3 homozygotes.

Submissions (11):

CeGaT Center for Human Genetics Tuebingen
Classification: Likely benign. Last evaluated: 2026-08-01. Review status: criteria provided, single submitter. Criteria: CeGaT Center For Human Genetics Tuebingen Variant Classification Criteria Version 2. Collection method: clinical testing. Allele origin: germline. Affected: yes. Observed: 2 variant alleles.
Comment: NF2: BP4, BS1

Labcorp Genetics (formerly Invitae), Labcorp
Classification: Benign for Neurofibromatosis, type 2. Last evaluated: 2026-02-03. Review status: criteria provided, single submitter. Criteria: Invitae Variant Classification Sherloc (09022015). Collection method: clinical testing. Allele origin: germline.

Blueprint Genetics
Classification: Likely benign. Last evaluated: 2024-06-24. Review status: criteria provided, single submitter. Criteria: ACMG Guidelines, 2015. Collection method: clinical testing. Allele origin: germline.

Department of Pathology and Laboratory Medicine, Sinai Health System
Classification: Likely benign for Neurofibromatosis, type 2; Familial meningioma. Last evaluated: 2023-10-03. Review status: criteria provided, single submitter. Criteria: ACMG Guidelines, 2015. Collection method: clinical testing. Allele origin: germline. Affected: yes.

Mendelics
Classification: Benign for Neurofibromatosis, type 2. Last evaluated: 2023-08-22. Review status: criteria provided, single submitter. Criteria: Mendelics Assertion Criteria 2019. Collection method: clinical testing. Allele origin: germline.

Color Diagnostics, LLC DBA Color Health
Classification: Likely benign for Neurofibromatosis, type 2. Last evaluated: 2022-11-06. Review status: criteria provided, single submitter. Criteria: ACMG Guidelines, 2015. Collection method: clinical testing. Allele origin: germline.

Genome-Nilou Lab
Classification: Likely benign for Neurofibromatosis, type 2. Last evaluated: 2021-11-07. Review status: criteria provided, single submitter. Criteria: ACMG Guidelines, 2015. Collection method: clinical testing. Allele origin: germline. Affected: no.

Sema4
Classification: Likely benign for Hereditary cancer-predisposing syndrome. Last evaluated: 2021-07-08. Review status: criteria provided, single submitter. Criteria: Sema4 Curation Guidelines. Collection method: curation. Allele origin: germline.

Ambry Genetics
Classification: Likely benign for Hereditary cancer-predisposing syndrome. Last evaluated: 2018-10-04. Review status: criteria provided, single submitter. Criteria: Ambry Variant Classification Scheme 2023. Collection method: clinical testing. Allele origin: germline.

PreventionGenetics, part of Exact Sciences
Classification: Likely benign for NF2-related condition. Last evaluated: 2021-07-05. Review status: no assertion criteria provided. Collection method: clinical testing. Allele origin: germline. Not counted in ClinVar's aggregate classification.
Comment: This variant is classified as likely benign based on ACMG/AMP sequence variant interpretation guidelines (Richards et al. 2015 PMID: 25741868, with internal and published modifications).

ITMI
No classification provided. Condition: AllHighlyPenetrant. Last evaluated: 2013-09-19. Review status: no classification provided. Collection method: reference population. Allele origin: germline. Not counted in ClinVar's aggregate classification.
Comment: Please see associated publication for description of ethnicities

Literature cited by the submitters: PubMed 16983642 (cited by Sema4); PubMed 24728327 (cited by ITMI).